The following is an entry in ClinVar:

ClinVar aggregate classification (germline): Likely benign (0 of 4 stars; one submission).

Conditions:
KALRN-related disorder. Also called: KALRN-related condition.

Submission:

PreventionGenetics, part of Exact Sciences
Classification: Likely benign for KALRN-related condition. Last evaluated: 2022-12-29. Review status: no assertion criteria provided. Collection method: clinical testing. Allele origin: germline.
Comment: This variant is classified as likely benign based on ACMG/AMP sequence variant interpretation guidelines (Richards et al. 2015 PMID: 25741868, with internal and published modifications).

NM_001388419.1(KALRN):c.1770+43_1770+139del

Gene: KALRN (kalirin RhoGEF kinase; plus strand). Cytogenetic location: 3q21.2.
Variant type: Deletion.
Coding change: c.1770+43_1770+139del on transcript NM_001388419.1 (MANE Select); bases 43 to 139 of the intron after coding-DNA position 1770, 97 bases deleted.
Molecular consequence: splice donor variant.
Genome position (GRCh38, 1-based): chr3:124,347,308-124,347,404, 97 bases deleted. GRCh37 (hg19): chr3:124,066,155-124,066,251.
Other names: c.1770+43_1770+139del (NM_001388417.1, NM_001388418.1); c.1764+43_1764+139del (NM_001024660.5, NM_001322988.2, NM_003947.6 and 4 more transcripts).
Identifiers: ClinVar variation 3033496 (VCV003033496.2), dbSNP rs2482838817, ClinGen allele CA545985286.